The following is an entry in ClinVar:

NM_015378.4(VPS13D):c.3113G>A (p.Ser1038Asn)

Gene: VPS13D (vacuolar protein sorting 13 homolog D; plus strand). Cytogenetic location: 1p36.22.
Variant type: single nucleotide variant.
Coding change: c.3113G>A on transcript NM_015378.4 (MANE Select); coding-DNA position 3113, G replaced by A.
Protein change: p.Ser1038Asn; replaces serine 1038 with asparagine.
Molecular consequence: missense variant.
Genome position (GRCh38, 1-based): chr1:12,276,701, G>A. VCF-style: chr1-12276701-G-A. GRCh37 (hg19) VCF-style: chr1-12336758-G-A.
Other names: p.Ser1038Asn; c.3113G>A, p.Ser1038Asn (NM_018156.4); short protein forms S1038N.
Identifiers: ClinVar variation 3979953 (VCV003979953.2).

ClinVar aggregate classification (germline): Uncertain significance. Review status: criteria provided, multiple submitters, no conflicts (2 of 4 stars). 2 submissions from 2 submitters: Uncertain significance (2). Last evaluated 2025-06-03.

Conditions:
Inborn genetic diseases. Identifiers: MedGen C0950123, MeSH D030342.

gnomAD v4.1: 10 of 1,613,994 alleles (0.00062%); highest among the groups gnomAD compares: African/African-American, 0.0013%; no homozygotes.

Submissions (2):

Mayo Clinic Laboratories, Mayo Clinic
Classification: Uncertain significance. Last evaluated: 2025-06-03. Review status: criteria provided, single submitter. Criteria: ACMG Guidelines, 2015. Collection method: clinical testing. Allele origin: germline. Observed: 1 variant allele.
Comment: BP4

Ambry Genetics
Classification: Uncertain significance for Inborn genetic diseases. Last evaluated: 2025-05-21. Review status: criteria provided, single submitter. Criteria: Ambry Variant Classification Scheme 2023. Collection method: clinical testing. Allele origin: germline.